The following is an entry in ClinVar:

NC_000016.10:g.(89770635_89771677)_(89779958_89782858)del

Gene: FANCA (FA complementation group A; minus strand). Cytogenetic location: 16q24.3.
Variant type: Deletion.
Identifiers: ClinVar variation 974014 (VCV000974014.1).

ClinVar aggregate classification (germline): Pathogenic (0 of 4 stars; one submission).

Conditions:
Fanconi anemia complementation group A (FANCA). Also called: Fanconi anemia, group A; FANCA-Related Fanconi Anemia. Identifiers: Orphanet 84, MedGen C3469521, MONDO:0009215, OMIM 227650.

Submission:

Leiden Open Variation Database
Classification: Pathogenic for Fanconi anemia complementation group A. Last evaluated: 2020-02-28. Review status: no assertion criteria provided. Collection method: curation. Allele origin: germline. Affected: yes.
Comment: Curator: Arleen D. Auerbach. Submitters to LOVD: Daniela Pilonetto, Johan de Winter.

Literature cited by the submitters: PubMed 17924555.